The following is an entry in ClinVar:

NM_203447.4(DOCK8):c.2008-64G>A

Gene: DOCK8 (dedicator of cytokinesis 8; plus strand). Cytogenetic location: 9p24.3.
Variant type: single nucleotide variant.
Coding change: c.2008-64G>A on transcript NM_203447.4 (MANE Select); 64 bases into the intron before coding-DNA position 2008, G replaced by A.
Molecular consequence: intron variant.
Genome position (GRCh38, 1-based): chr9:372,121, G>A. VCF-style: chr9-372121-G-A. GRCh37 (hg19) VCF-style: chr9-372121-G-A.
Other names: c.1804-64G>A (NM_001193536.2, NM_001190458.2).
Identifiers: ClinVar variation 675139 (VCV000675139.2), dbSNP rs2031947, ClinGen allele CA187809478.
Genomic context (GRCh38, chr9:372,121, plus strand): 5'-CAAAAAGAGTACTGGTCAATATCTACTCACTGTTTAGTTGCATTTGATTATTGCGAGCTA[G>A]ATAAATTATCAGAATTATATGCTGTAATAAATACCACTTTATTATTTACATCATCTGTTT-3'

ClinVar aggregate classification (germline): Benign. Review status: criteria provided, multiple submitters, no conflicts (2 of 4 stars). 2 submissions from 2 submitters: Benign (2). Last evaluated 2018-06-16.

Allele frequency attached by ClinVar (database versions not stated): gnomAD exomes 0.04136; gnomAD 0.10789 and 0.11423; 1000 Genomes Project 0.11062; 1000 Genomes Project 30x 0.11508; TOPMed 0.11795.

Submissions (2):

GeneDx
Classification: Benign. Last evaluated: 2018-06-16. Review status: criteria provided, single submitter. Criteria: GeneDx Variant Classification (06012015). Collection method: clinical testing. Allele origin: germline. Affected: yes.
Comment: This variant is considered likely benign or benign based on one or more of the following criteria: it is a conservative change, it occurs at a poorly conserved position in the protein, it is predicted to be benign by multiple in silico algorithms, and/or has population frequency not consistent with disease.

Breakthrough Genomics
Classification: Benign. Review status: criteria provided, single submitter. Criteria: ACMG Guidelines, 2015. Collection method: not provided. Allele origin: germline. Inheritance: Autosomal recessive inheritance. Affected: yes.